The following is an entry in ClinVar:

NM_000489.6(ATRX):c.3492TAA[1] (p.Asn1165del)

Gene: ATRX (ATRX chromatin remodeler; minus strand). Cytogenetic location: Xq21.1.
Variant type: Microsatellite.
Coding change: c.3492TAA[1] on transcript NM_000489.6 (MANE Select); one copy of the 3-base unit TAA starting at c.3492; the reference has two copies in a row; one copy, 3 bases deleted.
Protein change: p.Asn1165del; deletes asparagine 1165.
Molecular consequence: inframe deletion.
Genome position (GRCh38, 1-based): chrX:77,681,759-77,681,761, TTA deleted on the plus strand (TAA on the coding strand, the reverse complement: ATRX is on the minus strand); deleting any 3 consecutive bases within chrX:77,681,759-77,681,765 gives the same sequence; the position shown is the placement nearest the transcript's 3' end. VCF-style (leftmost placement, unchanged base first): chrX-77681758-TTTA-T. GRCh37 (hg19) VCF-style: chrX-76937250-TTTA-T.
Other names: c.3378TAA[1], p.Asn1127del (NM_138270.5); short protein forms N1127del, N1165del.
Identifiers: ClinVar variation 2968943 (VCV002968943.3), dbSNP rs1569538689, ClinGen allele CA643006478.

ClinVar aggregate classification (germline): Uncertain significance (1 of 4 stars; one submission).

Conditions:
Alpha thalassemia-X-linked intellectual disability syndrome (ATRX). Also called: ALPHA-THALASSEMIA/MENTAL RETARDATION SYNDROME, X-LINKED; ATR, NONDELETION TYPE; ATR-X syndrome; Alpha thalassemia mental retardation syndrome, nondeletion type, X-linked; XLMR hypotonic face syndrome; X-linked alpha-thalassemia-mental retardation syndrome. Identifiers: Orphanet 847, MedGen C1845055, MONDO:0010519, OMIM 301040.

Submission:

Labcorp Genetics (formerly Invitae), Labcorp
Classification: Uncertain significance for Alpha thalassemia-X-linked intellectual disability syndrome. Last evaluated: 2024-01-23. Review status: criteria provided, single submitter. Criteria: Invitae Variant Classification Sherloc (09022015). Collection method: clinical testing. Allele origin: germline.
Comment: This variant, c.3495_3497del, results in the deletion of 1 amino acid(s) of the ATRX protein (p.Asn1165del), but otherwise preserves the integrity of the reading frame. This variant is present in population databases (no rsID available, gnomAD 0.01%). This variant has not been reported in the literature in individuals affected with ATRX-related conditions. Experimental studies and prediction algorithms are not available or were not evaluated, and the functional significance of this variant is currently unknown. In summary, the available evidence is currently insufficient to determine the role of this variant in disease. Therefore, it has been classified as a Variant of Uncertain Significance.